The following is an entry in ClinVar:

ClinVar aggregate classification (germline): Uncertain significance. Review status: criteria provided, multiple submitters, no conflicts (2 of 4 stars). 3 submissions from 3 submitters: Uncertain significance (3). Last evaluated 2024-11-25.

Conditions:
Colorectal cancer, susceptibility to, 1. Also called: COLORECTAL ADENOMA AND CANCER, SUSCEPTIBILITY TO; COLORECTAL CANCER, SUSCEPTIBILITY TO, ON CHROMOSOME 9. Identifiers: MedGen C1837315, MONDO:0012132, OMIM 608812.

Allele frequency attached by ClinVar (database versions not stated): TOPMed below 0.00001; gnomAD 0.00001; gnomAD exomes 0.00003.
gnomAD v4.1: 42 of 1,614,056 alleles (0.0026%); highest among the groups gnomAD compares: Non-Finnish European, 0.0034%; no homozygotes.

Submissions (3):

Ambry Genetics
Classification: Uncertain significance. Last evaluated: 2024-11-25. Review status: criteria provided, single submitter. Criteria: Ambry Variant Classification Scheme 2023. Collection method: clinical testing. Allele origin: germline.
Comment: The p.Y498C variant (also known as c.1493A>G), located in coding exon 9 of the GALNT12 gene, results from an A to G substitution at nucleotide position 1493. The tyrosine at codon 498 is replaced by cysteine, an amino acid with highly dissimilar properties. This amino acid position is conserved. In addition, the in silico prediction for this alteration is inconclusive. Since supporting evidence is limited at this time, the clinical significance of this alteration remains unclear.

Labcorp Genetics (formerly Invitae), Labcorp
Classification: Uncertain significance. Last evaluated: 2024-05-01. Review status: criteria provided, single submitter. Criteria: Invitae Variant Classification Sherloc (09022015). Collection method: clinical testing. Allele origin: germline.
Comment: This sequence change replaces tyrosine, which is neutral and polar, with cysteine, which is neutral and slightly polar, at codon 498 of the GALNT12 protein (p.Tyr498Cys). This variant is not present in population databases (gnomAD no frequency). This variant has not been reported in the literature in individuals affected with GALNT12-related conditions. ClinVar contains an entry for this variant (Variation ID: 1418169). Advanced modeling of protein sequence and biophysical properties (such as structural, functional, and spatial information, amino acid conservation, physicochemical variation, residue mobility, and thermodynamic stability) performed at Invitae indicates that this missense variant is not expected to disrupt GALNT12 protein function with a negative predictive value of 80%. In summary, the available evidence is currently insufficient to determine the role of this variant in disease. Therefore, it has been classified as a Variant of Uncertain Significance.

Baylor Genetics
Classification: Uncertain significance for Colorectal cancer, susceptibility to, 1. Last evaluated: 2023-09-08. Review status: criteria provided, single submitter. Criteria: ACMG Guidelines, 2015. Collection method: clinical testing. Allele origin: unknown.

NM_024642.5(GALNT12):c.1493A>G (p.Tyr498Cys)

Gene: GALNT12 (polypeptide N-acetylgalactosaminyltransferase 12; plus strand). Cytogenetic location: 9q22.33.
Variant type: single nucleotide variant.
Coding change: c.1493A>G on transcript NM_024642.5 (MANE Select); coding-DNA position 1493, A replaced by G.
Protein change: p.Tyr498Cys; replaces tyrosine 498 with cysteine.
Molecular consequence: missense variant.
Genome position (GRCh38, 1-based): chr9:98,846,011, A>G. VCF-style: chr9-98846011-A-G. GRCh37 (hg19) VCF-style: chr9-101608293-A-G.
Other names: c.1493A>G (NM_024642.4); short protein forms Y498C.
Identifiers: ClinVar variation 1418169 (VCV001418169.11), dbSNP rs955510774, ClinGen allele CA196832600.
Genomic context (GRCh38, chr9:98,846,011, plus strand): 5'-TTACATGTTGGCTGCCCCATTTTTAGTTTTTCGAGTACACGTCCCAGAAAGAAATACGCT[A>G]TAACACCCACCAGCCTGAGGGCTGCATTGCTGTGGAAGCAGGAATGGATACCCTTATCAT-3'
Protein context (NP_078918.3, residues 488-508): FEYTSQKEIR[Tyr498Cys]NTHQPEGCIA